The following is an entry in ClinVar:

NM_001360.3(DHCR7):c.127G>A (p.Val43Ile)

Gene: DHCR7 (7-dehydrocholesterol reductase; minus strand). Cytogenetic location: 11q13.4.
Variant type: single nucleotide variant.
Coding change: c.127G>A on transcript NM_001360.3 (MANE Select); coding-DNA position 127, G replaced by A.
Protein change: p.Val43Ile; replaces valine 43 with isoleucine.
Molecular consequence: missense variant.
Genome position (GRCh38, 1-based): chr11:71,444,187, C>T on the plus strand (G>A on the coding strand, the complement: DHCR7 is on the minus strand). VCF-style: chr11-71444187-C-T. GRCh37 (hg19) VCF-style: chr11-71155233-C-T.
Other names: c.127G>A, p.Val43Ile (NM_001163817.2); short protein forms V43I.
Identifiers: ClinVar variation 813604 (VCV000813604.9), dbSNP rs200984695, ClinGen allele CA6162683.

ClinVar aggregate classification (germline): Conflicting classifications of pathogenicity. Review status: criteria provided, conflicting classifications (1 of 4 stars). 7 submissions from 7 submitters: Uncertain significance (5); Likely benign (1). 1 of the submissions does not count toward it. Last evaluated 2025-05-29.

Conditions:
DHCR7-related disorder. Also called: DHCR7-related condition.
Microcephaly. Also called: Microcephaly (disease). Identifiers: MedGen C4551563, MONDO:0001149, HP:0000252.
Inborn genetic diseases. Identifiers: MedGen C0950123, MeSH D030342.
Smith-Lemli-Opitz syndrome (SLOS). Also called: 7-Dehydrocholesterol reductase deficiency; LETHAL ACRODYSGENITAL SYNDROME; POLYDACTYLY, SEX REVERSAL, RENAL HYPOPLASIA, AND UNILOBAR LUNG; RSH SYNDROME; RUTLEDGE LETHAL MULTIPLE CONGENITAL ANOMALY SYNDROME. Identifiers: Orphanet 818, MedGen C0175694, MONDO:0010035, OMIM 270400.

Allele frequency attached by ClinVar (database versions not stated): ESP Exome Variant Server 0.00008; TOPMed 0.00008; gnomAD exomes 0.00009 and 0.00010; gnomAD 0.00011; 1000 Genomes Project 30x 0.00016; 1000 Genomes Project 0.00020; ExAC 0.00020.

Submissions (7):

PreventionGenetics, part of Exact Sciences
Classification: Uncertain significance for DHCR7-related condition. Last evaluated: 2025-05-29. Review status: criteria provided, single submitter. Criteria: ACMG Guidelines, 2015. Collection method: clinical testing. Allele origin: germline.
Comment: The DHCR7 c.127G>A variant is predicted to result in the amino acid substitution p.Val43Ile. To our knowledge, this variant has not been reported in the literature in individuals with DHCR7-related disorders. This variant is reported in 0.038% of alleles in individuals of East Asian descent in gnomAD. An alternate missense substitution affecting the same amino acid (p.Val43Phe) has been reported in two related individuals with Smith-Lemli-Opitz syndrome (Che et al. 2021. PubMed ID: 34729755; Table S11, Zhang et al. 2022. PubMed ID: 36368352). At this time, the clinical significance of the c.127G>A (p.Val43Ile) variant is uncertain due to the absence of conclusive functional and genetic evidence.

GeneDx
Classification: Uncertain significance. Last evaluated: 2022-07-08. Review status: criteria provided, single submitter. Criteria: GeneDx Variant Classification Process June 2021. Collection method: clinical testing. Allele origin: germline. Affected: yes.
Comment: Reported previously as a benign variant in a study looking at carrier frequency of DHRC7 mutations (Cross et al., 2015); In silico analysis supports that this missense variant does not alter protein structure/function; This variant is associated with the following publications: (PMID: 24813812)

Fulgent Genetics
Classification: Uncertain significance for Smith-Lemli-Opitz syndrome. Last evaluated: 2022-02-15. Review status: criteria provided, single submitter. Criteria: ACMG Guidelines, 2015. Collection method: clinical testing. Allele origin: unknown.

Ambry Genetics
Classification: Likely benign for Inborn genetic diseases. Last evaluated: 2021-12-29. Review status: criteria provided, single submitter. Criteria: Ambry Variant Classification Scheme 2023. Collection method: clinical testing. Allele origin: germline.

Labcorp Genetics (formerly Invitae), Labcorp
Classification: Uncertain significance for Smith-Lemli-Opitz syndrome. Last evaluated: 2021-08-31. Review status: criteria provided, single submitter. Criteria: Invitae Variant Classification Sherloc (09022015). Collection method: clinical testing. Allele origin: germline.
Comment: This sequence change replaces valine with isoleucine at codon 43 of the DHCR7 protein (p.Val43Ile). The valine residue is moderately conserved and there is a small physicochemical difference between valine and isoleucine. This variant is present in population databases (rs200984695, ExAC 0.07%). This variant has not been reported in the literature in individuals affected with DHCR7-related conditions. Algorithms developed to predict the effect of missense changes on protein structure and function output the following: SIFT: "Tolerated"; PolyPhen-2: "Benign"; Align-GVGD: "Class C0". The isoleucine amino acid residue is found in multiple mammalian species, which suggests that this missense change does not adversely affect protein function. In summary, the available evidence is currently insufficient to determine the role of this variant in disease. Therefore, it has been classified as a Variant of Uncertain Significance.

Breakthrough Genomics
Classification: Uncertain significance. Review status: criteria provided, single submitter. Criteria: ACMG Guidelines, 2015. Collection method: not provided. Allele origin: germline. Inheritance: Autosomal recessive inheritance. Affected: yes.

Department of Pediatrics, Samsung Medical Center, Samsung Medical Center
Classification: Uncertain significance for Microcephaly. Review status: no assertion criteria provided. Criteria: ACMG Guidelines, 2015. Collection method: research. Allele origin: germline. Affected: yes. Not counted in ClinVar's aggregate classification.